The following is an entry in ClinVar:

NM_000836.4(GRIN2D):c.2819T>C (p.Val940Ala)

Gene: GRIN2D (glutamate ionotropic receptor NMDA type subunit 2D; plus strand). Cytogenetic location: 19q13.33.
Variant type: single nucleotide variant.
Coding change: c.2819T>C on transcript NM_000836.4 (MANE Select); coding-DNA position 2819, T replaced by C.
Protein change: p.Val940Ala; replaces valine 940 with alanine.
Molecular consequence: missense variant.
Genome position (GRCh38, 1-based): chr19:48,442,745, T>C. VCF-style: chr19-48442745-T-C. GRCh37 (hg19) VCF-style: chr19-48946002-T-C.
Other names: c.2819T>C (NM_000836.2); short protein forms V940A.
Identifiers: ClinVar variation 1465790 (VCV001465790.7), dbSNP rs1411120087, ClinGen allele CA406673834.
Genomic context (GRCh38, chr19:48,442,745, plus strand): 5'-ACCCCGCGCCGCGGCCGGCTCCCGGGCCCGCACCTTTCGTGCCCCGCGAGCGCGCCTCAG[T>C]GGACCGCTGGCGCCGGACCAAGGGCGCGGGGCCGCCGGGGGGCGCGGGCCTGGCCGACGG-3'
Protein context (NP_000827.2, residues 930-950): APFVPRERAS[Val940Ala]DRWRRTKGAG

ClinVar aggregate classification (germline): Uncertain significance. Review status: criteria provided, multiple submitters, no conflicts (2 of 4 stars). 2 submissions from 2 submitters: Uncertain significance (2). Last evaluated 2025-05-18.

Conditions:
Inborn genetic diseases. Identifiers: MedGen C0950123, MeSH D030342.

Allele frequency attached by ClinVar (database versions not stated): gnomAD 0.00001; gnomAD exomes 0.00002; TOPMed 0.00003.
gnomAD v4.1: 23 of 1,090,692 alleles (0.0021%); highest among the groups gnomAD compares: Non-Finnish European, 0.0024%; no homozygotes.

Submissions (2):

Ambry Genetics
Classification: Uncertain significance for Inborn genetic diseases. Last evaluated: 2025-05-18. Review status: criteria provided, single submitter. Criteria: Ambry Variant Classification Scheme 2023. Collection method: clinical testing. Allele origin: germline.

Labcorp Genetics (formerly Invitae), Labcorp
Classification: Uncertain significance. Last evaluated: 2025-04-07. Review status: criteria provided, single submitter. Criteria: Invitae Variant Classification Sherloc (09022015). Collection method: clinical testing. Allele origin: germline.
Comment: This sequence change replaces valine, which is neutral and non-polar, with alanine, which is neutral and non-polar, at codon 940 of the GRIN2D protein (p.Val940Ala). The frequency data for this variant in the population databases is considered unreliable, as metrics indicate insufficient coverage at this position in the gnomAD database. This variant has not been reported in the literature in individuals affected with GRIN2D-related conditions. ClinVar contains an entry for this variant (Variation ID: 1465790). Invitae Evidence Modeling of protein sequence and biophysical properties (such as structural, functional, and spatial information, amino acid conservation, physicochemical variation, residue mobility, and thermodynamic stability) indicates that this missense variant is not expected to disrupt GRIN2D protein function with a negative predictive value of 95%. In summary, the available evidence is currently insufficient to determine the role of this variant in disease. Therefore, it has been classified as a Variant of Uncertain Significance.